The following is an entry in ClinVar:

ClinVar aggregate classification (germline): Likely pathogenic (1 of 4 stars; one submission).

Conditions:
Retinitis pigmentosa 12 (RP12). Also called: RP WITH OR WITHOUT PPRPE; RP WITH OR WITHOUT PRESERVED PARAARTERIOLE RETINAL PIGMENT EPITHELIUM; RETINITIS PIGMENTOSA WITH OR WITHOUT PARAARTERIOLAR PRESERVATION OF RETINAL PIGMENT EPITHELIUM. Identifiers: Orphanet 791, MedGen C1838647, MONDO:0010818, OMIM 600105.

Submission:

Regional Center For Medical Genetics Timis, Louis Turcanu Emergency Hospital for Children Timisoara
Classification: Likely pathogenic for Retinitis pigmentosa 12. Last evaluated: 2024-07-29. Review status: criteria provided, single submitter. Criteria: ACMG Guidelines, 2015. Collection method: research. Allele origin: inherited. Inheritance: Autosomal recessive inheritance. Affected: yes. Observed: 1 homozygote.
Comment: This variant is not present in the healthy population databases (gnomAD v4.1.0). The in silico predictions strongly supports the pathogenicity of this missense variant (REVEL score = 0.966 > 0.932). Therefore, the variant was classified as likely pathogenic, according to ACMG 2015 and ClinGen criteria. Criteria for classification: PM2_Supporting, PP3_Strong, PM3_Supporting

NM_201253.3(CRB1):c.401G>T (p.Cys134Phe)

Gene: CRB1 (crumbs cell polarity complex component 1; plus strand). Cytogenetic location: 1q31.3.
Variant type: single nucleotide variant.
Coding change: c.401G>T on transcript NM_201253.3 (MANE Select); coding-DNA position 401, G replaced by T.
Protein change: p.Cys134Phe; replaces cysteine 134 with phenylalanine.
Molecular consequence: missense variant. On other transcripts: non-coding transcript variant (2).
Genome position (GRCh38, 1-based): chr1:197,328,752, G>T. VCF-style: chr1-197328752-G-T. GRCh37 (hg19) VCF-style: chr1-197297882-G-T.
Other names: c.401G>T, p.Cys134Phe (NM_001193640.2, NM_001257966.2); c.194G>T, p.Cys65Phe (NM_001257965.2); short protein forms C134F, C65F.
Identifiers: ClinVar variation 3338301 (VCV003338301.2).
Genomic context (GRCh38, chr1:197,328,752, plus strand): 5'-GTGGCAAGAACTCCTGCCAACATGGAGGTATTTGCCATCAGGACCCTATTTATCCTGTCT[G>T]CATCTGCCCTGCTGGATATGCTGGAAGATTCTGTGAGATAGATCACGATGAGTGTGCTTC-3'
Protein context (NP_957705.1, residues 124-144): ICHQDPIYPV[Cys134Phe]ICPAGYAGRF